The following is an entry in ClinVar:

NM_014855.3(AP5Z1):c.617G>A (p.Arg206Gln)

Gene: AP5Z1 (adaptor related protein complex 5 subunit zeta 1; plus strand). Cytogenetic location: 7p22.1.
Variant type: single nucleotide variant.
Coding change: c.617G>A on transcript NM_014855.3 (MANE Select); coding-DNA position 617, G replaced by A.
Protein change: p.Arg206Gln; replaces arginine 206 with glutamine.
Molecular consequence: missense variant. On other transcripts: non-coding transcript variant (1).
Genome position (GRCh38, 1-based): chr7:4,783,794, G>A. VCF-style: chr7-4783794-G-A. GRCh37 (hg19) VCF-style: chr7-4823425-G-A.
Other names: p.Arg206Gln; c.617G>A, p.Arg206Gln (LRG_1247t1); c.149G>A, p.Arg50Gln (NM_001364858.1); short protein forms R206Q, R50Q.
Identifiers: ClinVar variation 665091 (VCV000665091.17), dbSNP rs774461879, ClinGen allele CA4137276.

ClinVar aggregate classification (germline): Uncertain significance. Review status: criteria provided, multiple submitters, no conflicts (2 of 4 stars). 5 submissions from 5 submitters: Uncertain significance (5). Last evaluated 2025-11-15.

Conditions:
Hereditary spastic paraplegia 48. Also called: SPASTIC PARAPLEGIA 48, AUTOSOMAL RECESSIVE; Spastic paraplegia 48. Identifiers: Orphanet 306511, MedGen C3150901, MONDO:0013342, OMIM 613647.
Hereditary spastic paraplegia. Also called: Familial spastic paraparesis. Identifiers: Orphanet 685, MedGen C0037773, MONDO:0019064. Disease mechanism: loss of function.
Inborn genetic diseases. Identifiers: MedGen C0950123, MeSH D030342.

Allele frequency attached by ClinVar (database versions not stated): gnomAD exomes 0.00004 and 0.00005; ExAC 0.00012; gnomAD 0.00015 and 0.00016; TOPMed 0.00022.

Submissions (5):

Labcorp Genetics (formerly Invitae), Labcorp
Classification: Uncertain significance for Hereditary spastic paraplegia 48. Last evaluated: 2025-11-15. Review status: criteria provided, single submitter. Criteria: Invitae Variant Classification Sherloc (09022015). Collection method: clinical testing. Allele origin: germline.
Comment: This sequence change replaces arginine, which is basic and polar, with glutamine, which is neutral and polar, at codon 206 of the AP5Z1 protein (p.Arg206Gln). This variant is present in population databases (rs774461879, gnomAD 0.04%). This variant has not been reported in the literature in individuals affected with AP5Z1-related conditions. ClinVar contains an entry for this variant (Variation ID: 665091). Invitae Evidence Modeling of protein sequence and biophysical properties (such as structural, functional, and spatial information, amino acid conservation, physicochemical variation, residue mobility, and thermodynamic stability) indicates that this missense variant is not expected to disrupt AP5Z1 protein function with a negative predictive value of 80%. In summary, the available evidence is currently insufficient to determine the role of this variant in disease. Therefore, it has been classified as a Variant of Uncertain Significance.

GeneDx
Classification: Uncertain significance. Last evaluated: 2024-07-26. Review status: criteria provided, single submitter. Criteria: GeneDx Variant Classification Process June 2021. Collection method: clinical testing. Allele origin: germline. Affected: yes.
Comment: In silico analysis supports that this missense variant does not alter protein structure/function; Has not been previously published as pathogenic or benign to our knowledge

Ambry Genetics
Classification: Uncertain significance for Inborn genetic diseases. Last evaluated: 2024-01-29. Review status: criteria provided, single submitter. Criteria: Ambry Variant Classification Scheme 2023. Collection method: clinical testing. Allele origin: germline.

Mayo Clinic Laboratories, Mayo Clinic
Classification: Uncertain significance. Last evaluated: 2021-08-31. Review status: criteria provided, single submitter. Criteria: ACMG Guidelines, 2015. Collection method: clinical testing. Allele origin: germline.

Genome Diagnostics Laboratory, The Hospital for Sick Children
Classification: Uncertain significance for Hereditary spastic paraplegia. Last evaluated: 2016-12-16. Review status: criteria provided, single submitter. Criteria: ACMG Guidelines, 2015. Collection method: clinical testing. Allele origin: germline. Affected: yes.